The following is an entry in ClinVar:

NM_014846.4(WASHC5):c.1278+62T>A

Gene: WASHC5 (WASH complex subunit 5; minus strand). Cytogenetic location: 8q24.13.
Variant type: single nucleotide variant.
Coding change: c.1278+62T>A on transcript NM_014846.4 (MANE Select); 62 bases into the intron after coding-DNA position 1278, T replaced by A.
Molecular consequence: intron variant.
Genome position (GRCh38, 1-based): chr8:125,067,530, A>T on the plus strand (T>A on the coding strand, the complement: WASHC5 is on the minus strand). VCF-style: chr8-125067530-A-T. GRCh37 (hg19) VCF-style: chr8-126079772-A-T.
Other names: c.834+62T>A (NM_001330609.2).
Identifiers: ClinVar variation 682819 (VCV000682819.2), dbSNP rs55873854, ClinGen allele CA185315093.

ClinVar aggregate classification (germline): Benign. Review status: criteria provided, multiple submitters, no conflicts (2 of 4 stars). 2 submissions from 2 submitters: Benign (2). Last evaluated 2018-06-14.

Allele frequency attached by ClinVar (database versions not stated): gnomAD 0.17195 and 0.17839; TOPMed 0.18827; 1000 Genomes Project 0.25839.
gnomAD v4.1: 215,671 of 1,400,628 alleles (15%); highest among the groups gnomAD compares: Admixed American, 34%; 20,512 homozygotes.

Submissions (2):

GeneDx
Classification: Benign. Last evaluated: 2018-06-14. Review status: criteria provided, single submitter. Criteria: GeneDx Variant Classification (06012015). Collection method: clinical testing. Allele origin: germline. Affected: yes.
Comment: This variant is considered likely benign or benign based on one or more of the following criteria: it is a conservative change, it occurs at a poorly conserved position in the protein, it is predicted to be benign by multiple in silico algorithms, and/or has population frequency not consistent with disease.

Breakthrough Genomics
Classification: Benign. Review status: criteria provided, single submitter. Criteria: ACMG Guidelines, 2015. Collection method: not provided. Allele origin: germline. Inheritance: Autosomal recessive inheritance. Affected: yes.